The following is an entry in ClinVar:

NM_012463.4(ATP6V0A2):c.2388C>T (p.Leu796=)

Gene: ATP6V0A2 (ATPase H+ transporting V0 subunit a2; plus strand). Cytogenetic location: 12q24.31.
Variant type: single nucleotide variant.
Coding change: c.2388C>T on transcript NM_012463.4 (MANE Select); coding-DNA position 2388, C replaced by T.
Protein change: p.Leu796=; no amino-acid change (leucine 796 retained).
Molecular consequence: synonymous variant.
Genome position (GRCh38, 1-based): chr12:123,756,909, C>T. VCF-style: chr12-123756909-C-T. GRCh37 (hg19) VCF-style: chr12-124241456-C-T.
Identifiers: ClinVar variation 3053602 (VCV003053602.4), dbSNP rs755697937, ClinGen allele CA6862235.

ClinVar aggregate classification (germline): Likely benign. Review status: criteria provided, single submitter (1 of 4 stars). 2 submissions from 2 submitters: Likely benign (1). 1 of the submissions does not count toward it. Last evaluated 2024-08-23.

Conditions:
ATP6V0A2-related disorder. Also called: ATP6V0A2-related condition.
ALG9 congenital disorder of glycosylation (CDG1L). Also called: CONGENITAL DISORDER OF GLYCOSYLATION, TYPE Il; CDG Il; ALG9-CDG. Identifiers: Orphanet 79328, MedGen C2931006, MONDO:0012117, OMIM 608776.

Allele frequency attached by ClinVar (database versions not stated): ExAC 0.00001; gnomAD 0.00001.
gnomAD v4.1: 7 of 1,614,094 alleles (0.00043%); highest among the groups gnomAD compares: Non-Finnish European, 0.00034%; no homozygotes.

Submissions (2):

Labcorp Genetics (formerly Invitae), Labcorp
Classification: Likely benign for ALG9 congenital disorder of glycosylation. Last evaluated: 2024-08-23. Review status: criteria provided, single submitter. Criteria: Invitae Variant Classification Sherloc (09022015). Collection method: clinical testing. Allele origin: germline.

PreventionGenetics, part of Exact Sciences
Classification: Likely benign for ATP6V0A2-related condition. Last evaluated: 2019-09-06. Review status: no assertion criteria provided. Collection method: clinical testing. Allele origin: germline. Not counted in ClinVar's aggregate classification.
Comment: This variant is classified as likely benign based on ACMG/AMP sequence variant interpretation guidelines (Richards et al. 2015 PMID: 25741868, with internal and published modifications).